The following is an entry in ClinVar:

NM_005732.4(RAD50):c.788C>G (p.Ser263Cys)

Gene: RAD50 (RAD50 double strand break repair protein; plus strand). Cytogenetic location: 5q31.1.
Variant type: single nucleotide variant.
Coding change: c.788C>G on transcript NM_005732.4 (MANE Select); coding-DNA position 788, C replaced by G.
Protein change: p.Ser263Cys; replaces serine 263 with cysteine.
Molecular consequence: missense variant.
Genome position (GRCh38, 1-based): chr5:132,587,593, C>G. VCF-style: chr5-132587593-C-G. GRCh37 (hg19) VCF-style: chr5-131923285-C-G.
Other names: short protein forms S263C.
Identifiers: ClinVar variation 1058728 (VCV001058728.9), dbSNP rs2149840415, ClinGen allele CA360940095.

ClinVar aggregate classification (germline): Uncertain significance (1 of 4 stars; one submission).

Conditions:
Hereditary cancer-predisposing syndrome. Also called: Neoplastic Syndromes, Hereditary; Hereditary Cancer Syndrome; Hereditary neoplastic syndrome; Tumor predisposition. Identifiers: Orphanet 140162, MedGen C0027672, MeSH D009386, MONDO:0015356.

Submission:

Labcorp Genetics (formerly Invitae), Labcorp
Classification: Uncertain significance for Hereditary cancer-predisposing syndrome. Last evaluated: 2020-08-26. Review status: criteria provided, single submitter. Criteria: Invitae Variant Classification Sherloc (09022015). Collection method: clinical testing. Allele origin: germline.
Comment: This sequence change replaces serine with cysteine at codon 263 of the RAD50 protein (p.Ser263Cys). The serine residue is moderately conserved and there is a moderate physicochemical difference between serine and cysteine. This variant is not present in population databases (ExAC no frequency). This variant has not been reported in the literature in individuals with RAD50-related conditions. Algorithms developed to predict the effect of missense changes on protein structure and function are either unavailable or do not agree on the potential impact of this missense change (SIFT: "Tolerated"; PolyPhen-2: "Possibly Damaging"; Align-GVGD: "Class C0"). In summary, the available evidence is currently insufficient to determine the role of this variant in disease. Therefore, it has been classified as a Variant of Uncertain Significance.